The following is an entry in ClinVar:

NM_004329.3(BMPR1A):c.1032C>T (p.His344=)

Gene: BMPR1A (bone morphogenetic protein receptor type 1A; plus strand). Cytogenetic location: 10q23.2.
Variant type: single nucleotide variant.
Coding change: c.1032C>T on transcript NM_004329.3 (MANE Select); coding-DNA position 1032, C replaced by T.
Protein change: p.His344=; no amino-acid change (histidine 344 retained).
Molecular consequence: synonymous variant.
Genome position (GRCh38, 1-based): chr10:86,919,335, C>T. VCF-style: chr10-86919335-C-T. GRCh37 (hg19) VCF-style: chr10-88679092-C-T.
Identifiers: ClinVar variation 737569 (VCV000737569.10), dbSNP rs1589291699, ClinGen allele CA470373068.

ClinVar aggregate classification (germline): Benign/Likely benign. Review status: criteria provided, multiple submitters, no conflicts (2 of 4 stars). 4 submissions from 4 submitters: Benign (1); Likely benign (3). Last evaluated 2024-08-06.

Conditions:
Juvenile polyposis syndrome (JPS). Identifiers: Orphanet 2929, MedGen C0345893, MONDO:0017380, OMIM 174900.
Hereditary cancer-predisposing syndrome. Also called: Hereditary neoplastic syndrome; Neoplastic Syndromes, Hereditary; Tumor predisposition; Hereditary Cancer Syndrome. Identifiers: Orphanet 140162, MedGen C0027672, MeSH D009386, MONDO:0015356.

Allele frequency attached by ClinVar (database versions not stated): gnomAD exomes below 0.00001.
gnomAD v4.1: 2 of 1,613,588 alleles (0.00012%); highest among the groups gnomAD compares: Non-Finnish European, 0.000085%; no homozygotes.

Submissions (4):

Myriad Genetics, Inc.
Classification: Benign for Juvenile polyposis syndrome. Last evaluated: 2024-08-06. Review status: criteria provided, single submitter. Criteria: Myriad Autosomal Dominant, Autosomal Recessive and X-Linked Classification Criteria (2023). Collection method: clinical testing. Allele origin: unknown.
Comment: This variant is considered benign. This variant is a silent/synonymous amino acid change and it is not expected to impact splicing.

Ambry Genetics
Classification: Likely benign for Hereditary cancer-predisposing syndrome. Last evaluated: 2024-07-05. Review status: criteria provided, single submitter. Criteria: Ambry Variant Classification Scheme 2023. Collection method: clinical testing. Allele origin: germline.

Color Diagnostics, LLC DBA Color Health
Classification: Likely benign for Hereditary cancer-predisposing syndrome. Last evaluated: 2019-12-04. Review status: criteria provided, single submitter. Criteria: ACMG Guidelines, 2015. Collection method: clinical testing. Allele origin: germline.

Labcorp Genetics (formerly Invitae), Labcorp
Classification: Likely benign for Juvenile polyposis syndrome. Last evaluated: 2017-12-01. Review status: criteria provided, single submitter. Criteria: Invitae Variant Classification Sherloc (09022015). Collection method: clinical testing. Allele origin: germline.